The following is an entry in ClinVar:

NM_001010892.3(RSPH4A):c.1928A>T (p.Asn643Ile)

Gene: RSPH4A (radial spoke head component 4A; plus strand). Cytogenetic location: 6q22.1.
Variant type: single nucleotide variant.
Coding change: c.1928A>T on transcript NM_001010892.3 (MANE Select); coding-DNA position 1928, A replaced by T.
Protein change: p.Asn643Ile; replaces asparagine 643 with isoleucine.
Molecular consequence: missense variant.
Genome position (GRCh38, 1-based): chr6:116,632,218, A>T. VCF-style: chr6-116632218-A-T. GRCh37 (hg19) VCF-style: chr6-116953381-A-T.
Other names: c.1792A>T, p.Ile598Phe (NM_001161664.2); short protein forms N643I, I598F.
Identifiers: ClinVar variation 454523 (VCV000454523.8), dbSNP rs779796065, ClinGen allele CA3971090.

ClinVar aggregate classification (germline): Uncertain significance. Review status: criteria provided, multiple submitters, no conflicts (2 of 4 stars). 2 submissions from 2 submitters: Uncertain significance (2). Last evaluated 2025-09-11.

Conditions:
Primary ciliary dyskinesia. Also called: Ciliary dyskinesia. Identifiers: Orphanet 244, MedGen C0008780, MONDO:0016575, HP:0012265.

Allele frequency attached by ClinVar (database versions not stated): ExAC 0.00001; gnomAD 0.00002; TOPMed 0.00003; gnomAD exomes 0.00004 and 0.00005.
gnomAD v4.1: 70 of 1,609,078 alleles (0.0044%); highest among the groups gnomAD compares: Non-Finnish European, 0.0056%; no homozygotes.

Submissions (2):

Ambry Genetics
Classification: Uncertain significance for Primary ciliary dyskinesia. Last evaluated: 2025-09-11. Review status: criteria provided, single submitter. Criteria: Ambry Variant Classification Scheme 2023. Collection method: clinical testing. Allele origin: germline.

Labcorp Genetics (formerly Invitae), Labcorp
Classification: Uncertain significance for Primary ciliary dyskinesia. Last evaluated: 2017-04-04. Review status: criteria provided, single submitter. Criteria: Invitae Variant Classification Sherloc (09022015). Collection method: clinical testing. Allele origin: germline.
Comment: This sequence change replaces asparagine with isoleucine at codon 643 of the RSPH4A protein (p.Asn643Ile). The asparagine residue is highly conserved and there is a large physicochemical difference between asparagine and isoleucine. This variant is present in population databases (rs779796065, ExAC 0.002%) but has not been reported in the literature in individuals with a RSPH4A-related disease. Algorithms developed to predict the effect of missense changes on protein structure and function do not agree on the potential impact of this missense change (SIFT: "Deleterious"; PolyPhen-2: "Probably Damaging"; Align-GVGD: "Class C0"). In summary, this variant is a rare missense change with uncertain impact on protein function. There is no indication that it causes disease, but the available evidence is currently insufficient to prove that conclusively. Therefore, it has been classified as a Variant of Uncertain Significance.